The following is an entry in ClinVar:

ClinVar aggregate classification (germline): Uncertain significance. Review status: criteria provided, multiple submitters, no conflicts (2 of 4 stars). 2 submissions from 2 submitters: Uncertain significance (2). Last evaluated 2023-06-08.

Conditions:
Paragangliomas with sensorineural hearing loss. Identifiers: MedGen C1868633.
Pheochromocytoma. Also called: MAX-Related Hereditary Paraganglioma-Pheochromocytoma Syndrome. Identifiers: Orphanet 29072, MedGen C0031511, MONDO:0008233, OMIM 171300, HP:0002666.
Carney-Stratakis syndrome. Also called: PARAGANGLIOMA AND GASTROINTESTINAL STROMAL TUMOR. Identifiers: Orphanet 97286, MedGen C1847319, MONDO:0011740, OMIM 606864.
Cowden syndrome 3 (CWS3). Identifiers: Orphanet 201, MedGen CN166604, MONDO:0014045.
Hereditary pheochromocytoma and paraganglioma. Also called: Hereditary pheochromocytoma-paraganglioma; Hereditary paragangliomas and pheochromocytomas; Hereditary Paraganglioma-Pheochromocytoma Syndromes. Identifiers: Orphanet 29072, MedGen C4274332, MONDO:0017366.

Submissions (2):

All of Us Research Program, National Institutes of Health
Classification: Uncertain significance for Hereditary pheochromocytoma and paraganglioma. Last evaluated: 2023-06-08. Review status: criteria provided, single submitter. Criteria: ACMG Guidelines, 2015. Collection method: clinical testing. Allele origin: germline. Inheritance: Autosomal dominant inheritance. Observed: 1 variant allele, 1 heterozygote.
Comment: This missense variant replaces glycine with serine at codon 78 of the SDHD protein. Computational prediction suggests that this variant may have deleterious impact on protein structure and function (internally defined REVEL score threshold >= 0.7, PMID: 27666373). To our knowledge, functional studies have not been reported for this variant. This variant has not been reported in individuals affected with SDHD-related disorders in the literature. This variant has not been identified in the general population by the Genome Aggregation Database (gnomAD). The available evidence is insufficient to determine the role of this variant in disease conclusively. Therefore, this variant is classified as a Variant of Uncertain Significance.

This study involves interpretation of variants in research participants for the purpose of population health screening. Participant phenotype was not available at the time of variant classification. Additional details can be found in publication PMID: 35346344, PMCID: PMC8962531

Labcorp Genetics (formerly Invitae), Labcorp
Classification: Uncertain significance for Carney-Stratakis syndrome; Paragangliomas with sensorineural hearing loss; Pheochromocytoma; Cowden syndrome 3. Last evaluated: 2022-08-16. Review status: criteria provided, single submitter. Criteria: Invitae Variant Classification Sherloc (09022015). Collection method: clinical testing. Allele origin: germline.
Comment: This sequence change replaces glycine, which is neutral and non-polar, with serine, which is neutral and polar, at codon 78 of the SDHD protein (p.Gly78Ser). In summary, the available evidence is currently insufficient to determine the role of this variant in disease. Therefore, it has been classified as a Variant of Uncertain Significance. Advanced modeling of protein sequence and biophysical properties (such as structural, functional, and spatial information, amino acid conservation, physicochemical variation, residue mobility, and thermodynamic stability) performed at Invitae indicates that this missense variant is expected to disrupt SDHD protein function. This variant has not been reported in the literature in individuals affected with SDHD-related conditions. This variant is not present in population databases (gnomAD no frequency).

NM_003002.4(SDHD):c.232G>A (p.Gly78Ser)

Gene: SDHD (succinate dehydrogenase complex subunit D; plus strand). Cytogenetic location: 11q23.1.
Variant type: single nucleotide variant.
Coding change: c.232G>A on transcript NM_003002.4 (MANE Select); coding-DNA position 232, G replaced by A.
Protein change: p.Gly78Ser; replaces glycine 78 with serine.
Molecular consequence: missense variant. On other transcripts: non-coding transcript variant (1), intron variant (1).
Genome position (GRCh38, 1-based): chr11:112,088,929, G>A. VCF-style: chr11-112088929-G-A. GRCh37 (hg19) VCF-style: chr11-111959653-G-A.
Other names: c.115G>A, p.Gly39Ser (NM_001276504.2); c.232G>A, p.Gly78Ser (NM_001276506.2); c.169+956G>A (NM_001276503.2); short protein forms G39S, G78S.
Identifiers: ClinVar variation 1716502 (VCV001716502.7), dbSNP rs1592780479, ClinGen allele CA382617277.